The following is an entry in ClinVar:

NM_002049.4(GATA1):c.1067G>T (p.Gly356Val)

Gene: GATA1 (GATA binding protein 1; plus strand). Cytogenetic location: Xp11.23.
Variant type: single nucleotide variant.
Coding change: c.1067G>T on transcript NM_002049.4 (MANE Select); coding-DNA position 1067, G replaced by T.
Protein change: p.Gly356Val; replaces glycine 356 with valine.
Molecular consequence: missense variant.
Genome position (GRCh38, 1-based): chrX:48,793,989, G>T. VCF-style: chrX-48793989-G-T. GRCh37 (hg19) VCF-style: chrX-48652396-G-T.
Other names: short protein forms G356V.
Identifiers: ClinVar variation 1021109 (VCV001021109.10), dbSNP rs202091014, ClinGen allele CA10404695.

ClinVar aggregate classification (germline): Uncertain significance (1 of 4 stars; one submission).

Conditions:
Diamond-Blackfan anemia. Also called: Blackfan Diamond syndrome; Aregenerative anemia chronic congenital; Red cell aplasia, pure hereditary; Congenital hypoplastic anemia; Aase syndrome. Identifiers: Orphanet 124, MedGen C1260899, MeSH D029503, MONDO:0015253, HP:0004810.
GATA binding protein 1 related thrombocytopenia with dyserythropoiesis. Also called: GATA1-Related X-Linked Cytopenia; GATA1-Related Cytopenia. Identifiers: MedGen C1845837, MONDO:0100089.

Allele frequency attached by ClinVar (database versions not stated): 1000 Genomes Project 30x 0.00021; 1000 Genomes Project 0.00026.
gnomAD v4.1: 4 of 1,207,247 alleles (0.00033%); highest among the groups gnomAD compares: Admixed American, 0.0066%; no homozygotes.

Submissions (2):

Labcorp Genetics (formerly Invitae), Labcorp
Classification: Uncertain significance for GATA binding protein 1 related thrombocytopenia with dyserythropoiesis; Diamond-Blackfan anemia. Last evaluated: 2024-06-25. Review status: criteria provided, single submitter. Criteria: Invitae Variant Classification Sherloc (09022015). Collection method: clinical testing. Allele origin: germline.
Comment: This sequence change replaces glycine, which is neutral and non-polar, with valine, which is neutral and non-polar, at codon 356 of the GATA1 protein (p.Gly356Val). The frequency data for this variant in the population databases is considered unreliable, as metrics indicate poor data quality at this position in the gnomAD database. This variant has not been reported in the literature in individuals affected with GATA1-related conditions. ClinVar contains an entry for this variant (Variation ID: 1021109). Advanced modeling of protein sequence and biophysical properties (such as structural, functional, and spatial information, amino acid conservation, physicochemical variation, residue mobility, and thermodynamic stability) performed at Invitae indicates that this missense variant is not expected to disrupt GATA1 protein function with a negative predictive value of 80%. In summary, the available evidence is currently insufficient to determine the role of this variant in disease. Therefore, it has been classified as a Variant of Uncertain Significance.

Dr. Peter K. Rogan Lab, Western University
No classification provided (evidence only). Condition: Nonpapillary renal cell carcinoma. Review status: no classification provided. Collection method: in vitro. Allele origin: not applicable. Functional consequence: retained intron. Not counted in ClinVar's aggregate classification.